The following is an entry in ClinVar:

ClinVar aggregate classification (germline): Likely pathogenic (1 of 4 stars; one submission).

Conditions:
Glycogen storage disease, type II (IOPD). Also called: Pompe Disease; Glycogen storage disease type 2; Acid maltase deficiency disease; Aglucosidase alfa; Deficiency of alpha-glucosidase; Deficiency of lysosomal alpha-glucosidase. Identifiers: Orphanet 365, MedGen C0017921, MONDO:0009290, OMIM 232300.

Submission:

Institute of Medical Genetics and Genomics, Sir Ganga Ram Hospital
Classification: Likely pathogenic for Glycogen storage disease, type II. Last evaluated: 2023-06-22. Review status: criteria provided, single submitter. Criteria: ACMG Guidelines, 2015. Collection method: clinical testing. Allele origin: germline. Inheritance: Autosomal recessive inheritance. Affected: yes. Observed: 1 homozygote.
Comment: The novel homozygous variant c.935del (p.Leu312fs) has been identified in homozygous state.

NM_000152.5(GAA):c.935del (p.Leu312fs)

Gene: GAA (alpha glucosidase; plus strand). Cytogenetic location: 17q25.3.
Variant type: Deletion.
Coding change: c.935del on transcript NM_000152.5 (MANE Select); coding-DNA position 935, one base deleted (T; older notation c.935delT).
Protein change: p.Leu312fs; shifts the reading frame from leucine 312.
Molecular consequence: frameshift variant.
Genome position (GRCh38, 1-based): chr17:80,107,876, T deleted. VCF-style (leftmost placement, unchanged base first): chr17-80107875-CT-C. GRCh37 (hg19) VCF-style: chr17-78081674-CT-C.
Other names: c.935del, p.Leu312fs (NM_001079803.3, NM_001079804.3, NM_001406741.1 and 1 more transcripts); c.935_935delT (NM_000152.5); short protein forms L312fs.
Identifiers: ClinVar variation 2506429 (VCV002506429.2), dbSNP rs2510359539, ClinGen allele CA2580612668.
Genomic context (GRCh38, chr17:80,107,875, plus strand): 5'-TACGGGTCTCACCCTTTCTACCTGGCGCTGGAGGACGGCGGGTCGGCACACGGGGTGTTC[CT>C]GCTAAACAGCAATGCCATGGGTAAGCTGCCCGCCGCCCAGCGCCCGGGCCGGGGTCTCCT-3'